The following is an entry in ClinVar:

ClinVar aggregate classification (germline): Uncertain significance (1 of 4 stars; one submission).

Conditions:
Baraitser-Winter syndrome 1 (BRWS1). Also called: BARAITSER-WINTER SYNDROME 1, ATYPICAL; PACHYGYRIA, MENTAL RETARDATION, EPILEPSY, AND CHARACTERISTIC FACIES; MENTAL RETARDATION WITH EPILEPSY AND CHARACTERISTIC FACIES; Cerebrofrontofacial syndrome. Identifiers: Orphanet 2649, Orphanet 2995, MedGen C1855722, MONDO:0009470, OMIM 243310.

Allele frequency attached by ClinVar (database versions not stated): gnomAD exomes below 0.00001.
gnomAD v4.1: 1 of 1,614,182 alleles (0.000062%); highest among the groups gnomAD compares: Non-Finnish European, 0.000085%; no homozygotes.

Submission:

Labcorp Genetics (formerly Invitae), Labcorp
Classification: Uncertain significance for Baraitser-Winter syndrome 1. Last evaluated: 2024-12-03. Review status: criteria provided, single submitter. Criteria: Invitae Variant Classification Sherloc (09022015). Collection method: clinical testing. Allele origin: germline.
Comment: This sequence change replaces alanine, which is neutral and non-polar, with serine, which is neutral and polar, at codon 319 of the ACTB protein (p.Ala319Ser). This variant is present in population databases (no rsID available, gnomAD 0.0009%). This variant has not been reported in the literature in individuals affected with ACTB-related conditions. ClinVar contains an entry for this variant (Variation ID: 2177739). Invitae Evidence Modeling of protein sequence and biophysical properties (such as structural, functional, and spatial information, amino acid conservation, physicochemical variation, residue mobility, and thermodynamic stability) indicates that this missense variant is not expected to disrupt ACTB protein function with a negative predictive value of 80%. In summary, the available evidence is currently insufficient to determine the role of this variant in disease. Therefore, it has been classified as a Variant of Uncertain Significance.

NM_001101.5(ACTB):c.955G>T (p.Ala319Ser)

Gene: ACTB (actin beta; minus strand). Cytogenetic location: 7p22.1.
Variant type: single nucleotide variant.
Coding change: c.955G>T on transcript NM_001101.5 (MANE Select); coding-DNA position 955, G replaced by T.
Protein change: p.Ala319Ser; replaces alanine 319 with serine.
Molecular consequence: missense variant.
Genome position (GRCh38, 1-based): chr7:5,528,033, C>A on the plus strand (G>T on the coding strand, the complement: ACTB is on the minus strand). VCF-style: chr7-5528033-C-A. GRCh37 (hg19) VCF-style: chr7-5567664-C-A.
Other names: short protein forms A319S.
Identifiers: ClinVar variation 2177739 (VCV002177739.4), dbSNP rs1419925551, ClinGen allele CA366699750.
Genomic context (GRCh38, chr7:5,528,033, plus strand): 5'-CCAGGTCAGCTCAGGCAGGAAAGACACCCACCTTGATCTTCATTGTGCTGGGTGCCAGGG[C>A]AGTGATCTCCTTCTGCATCCTGTCGGCAATGCCAGGGTACATGGTGGTGCCGCCAGACAG-3'
Protein context (NP_001092.1, residues 309-329): IADRMQKEIT[Ala319Ser]LAPSTMKIKI